The following is an entry in ClinVar:

NM_015100.4(POGZ):c.2350C>T (p.Arg784Ter)

Gene: POGZ (pogo transposable element derived with ZNF domain; minus strand). Cytogenetic location: 1q21.3.
Variant type: single nucleotide variant.
Coding change: c.2350C>T on transcript NM_015100.4 (MANE Select); coding-DNA position 2350, C replaced by T.
Protein change: p.Arg784Ter; replaces arginine 784 with a stop codon.
Molecular consequence: nonsense.
Genome position (GRCh38, 1-based): chr1:151,408,125, G>A on the plus strand (C>T on the coding strand, the complement: POGZ is on the minus strand). VCF-style: chr1-151408125-G-A. GRCh37 (hg19) VCF-style: chr1-151380601-G-A.
Other names: c.2323C>T, p.Arg775Ter (NM_001194937.2); c.2164C>T, p.Arg722Ter (NM_001194938.2); c.2065C>T, p.Arg689Ter (NM_145796.4); c.2191C>T, p.Arg731Ter (NM_207171.2); short protein forms R784*, R689*, R731*, R722*, R775*.
Identifiers: ClinVar variation 280468 (VCV000280468.8), dbSNP rs886041669, ClinGen allele CA10602746.

ClinVar aggregate classification (germline): Pathogenic. Review status: criteria provided, multiple submitters, no conflicts (2 of 4 stars). 5 submissions from 5 submitters: Pathogenic (5). Last evaluated 2025-10-20.

Conditions:
Intellectual disability-microcephaly-strabismus-behavioral abnormalities syndrome. Also called: White-Sutton Syndrome. Identifiers: Orphanet 468678, MedGen C4225351, MONDO:0014606, OMIM 616364.
Inborn genetic diseases. Identifiers: MedGen C0950123, MeSH D030342.

gnomAD v4.1: 1 of 1,613,242 alleles (0.000062%); no homozygotes.

Submissions (5):

GeneDx
Classification: Pathogenic. Last evaluated: 2025-10-20. Review status: criteria provided, single submitter. Criteria: GeneDx Variant Classification Process June 2021. Collection method: clinical testing. Allele origin: germline. Affected: yes.
Comment: Nonsense variant predicted to result in protein truncation or nonsense mediated decay in a gene for which loss of function is a known mechanism of disease; Not observed in large population cohorts (gnomAD); This variant is associated with the following publications: (PMID: 33057194, 35982159, 31782611)

Ambry Genetics
Classification: Pathogenic for Inborn genetic diseases. Last evaluated: 2025-05-22. Review status: criteria provided, single submitter. Criteria: Ambry Variant Classification Scheme 2023. Collection method: clinical testing. Allele origin: germline.
Comment: The c.2350C>T (p.R784*) alteration, located in exon 15 (coding exon 14) of the POGZ gene, consists of a C to T substitution at nucleotide position 2350. This changes the amino acid from an arginine (R) to a stop codon at amino acid position 784. This alteration is expected to result in loss of function by premature protein truncation or nonsense-mediated mRNA decay. This variant was not reported in population-based cohorts in the Genome Aggregation Database (gnomAD). This variant was determined to be de novo in at least one individual with features consistent with White-Sutton syndrome (Assia Batzir, 2020). Based on the available evidence, this alteration is classified as pathogenic.

Genome-Nilou Lab
Classification: Pathogenic for Intellectual disability-microcephaly-strabismus-behavioral abnormalities syndrome. Last evaluated: 2023-04-11. Review status: criteria provided, single submitter. Criteria: ACMG Guidelines, 2015. Collection method: clinical testing. Allele origin: germline. Affected: no.

Genetics Laboratory, UDIAT-Centre Diagnòstic, Hospital Universitari Parc Tauli
Classification: Pathogenic. Last evaluated: 2021-04-26. Review status: criteria provided, single submitter. Criteria: Parc Tauli Hospital Assertion Criteria 2021. Collection method: clinical testing. Allele origin: de novo. Inheritance: Autosomal dominant inheritance. Affected: yes. Observed: 1 heterozygote.
Comment: PVS1_very strong;PM2_supporting;PM6_moderate;PP5_moderate

Institute of Medical Genetics and Applied Genomics, University Hospital Tübingen
Classification: Pathogenic. Last evaluated: 2020-10-23. Review status: criteria provided, single submitter. Criteria: ACMG Guidelines, 2015. Collection method: clinical testing. Allele origin: germline. Inheritance: Unknown mechanism. Affected: yes.

Literature cited by the submitters: PubMed 31782611 (cited by Ambry Genetics).